The following is an entry in ClinVar:

ClinVar aggregate classification (germline): Uncertain significance (1 of 4 stars; one submission).

Submission:

Women's Health and Genetics/Laboratory Corporation of America, LabCorp
Classification: Uncertain significance. Last evaluated: 2025-12-30. Review status: criteria provided, single submitter. Criteria: LabCorp Variant Classification Summary - May 2015. Collection method: clinical testing. Allele origin: germline.
Comment: Variant summary: The variant involves the duplication of exon 1 in the POU3F4 gene. A presumed nomenclature of c.(?_-36)_(*2718_?)dup has been designated for the purposes of this classification. This duplication includes the entire coding sequence of the gene. As exact breakpoints are unknown, it may extend beyond the annotated region of the gene, to include other flanking genes. The variant was absent in 15834 control chromosomes. The available data on variant occurrences in the general population are insufficient to allow any conclusion about variant significance. To our knowledge, no occurrence of c.(?_-36)_(*2718_?)dup in individuals affected with POU3F4-related conditions and no experimental evidence demonstrating its impact on protein function have been reported. No submitters have cited clinical-significance assessments for this variant to ClinVar. Based on the evidence outlined above, the variant was classified as uncertain significance.

NC_000023.10:g.(?_82763297)_(82767136_?)dup

Gene: POU3F4 (POU class 3 homeobox 4; plus strand). Cytogenetic location: Xq21.1.
Variant type: Duplication.
Identifiers: ClinVar variation 4688512 (VCV004688512.1).